The following is an entry in ClinVar:

ClinVar aggregate classification (germline): Conflicting classifications of pathogenicity. Review status: criteria provided, conflicting classifications (1 of 4 stars). 22 submissions from 18 submitters: Uncertain significance (3); Benign (6); Likely benign (10). 3 of the submissions do not count toward it. Last evaluated 2026-05-01.

Conditions:
Dilated cardiomyopathy 1G (CMD1G). Identifiers: Orphanet 154, MedGen C1858763, MONDO:0011400, OMIM 604145.
Autosomal recessive limb-girdle muscular dystrophy type 2J (LGMDR10). Also called: Limb-girdle muscular dystrophy, type 2J; MUSCULAR DYSTROPHY, LIMB-GIRDLE, AUTOSOMAL RECESSIVE 10. Identifiers: Orphanet 140922, MedGen C1837342, MONDO:0012127, OMIM 608807.
Tibial muscular dystrophy (TMD). Also called: UDD MYOPATHY; Tibial muscular dystrophy, tardive; Udd Distal Myopathy – Tibial Muscular Dystrophy. Identifiers: Orphanet 609, MedGen C1838244, MONDO:0010870, OMIM 600334.
Early-onset myopathy with fatal cardiomyopathy (CMYO5). Also called: Salih Myopathy; CONGENITAL MYOPATHY 5 WITH CARDIOMYOPATHY. Identifiers: Orphanet 289377, MedGen C2673677, MONDO:0012714, OMIM 611705. Disease mechanism: loss of function.
Myopathy, myofibrillar, 9, with early respiratory failure (MFM9). Also called: Hereditary myopathy with early respiratory failure; MYOPATHY, PROXIMAL, WITH EARLY RESPIRATORY MUSCLE INVOLVEMENT; Myopathy, distal, with early respiratory failure, autosomal dominant; EDSTROM MYOPATHY. Identifiers: Orphanet 178464, Orphanet 34521, MedGen C1863599, MONDO:0011362, OMIM 603689.

Allele frequency attached by ClinVar (database versions not stated): ESP Exome Variant Server 0.00025; TOPMed 0.00042; gnomAD exomes 0.00061 and 0.00060; 1000 Genomes Project 30x 0.00016; gnomAD 0.00088 and 0.00094; ExAC 0.00077.
gnomAD v4.1: 1,013 of 1,611,930 alleles (0.063%); highest among the groups gnomAD compares: Non-Finnish European, 0.071%; 3 homozygotes.

Submissions (22):

CeGaT Center for Human Genetics Tuebingen
Classification: Likely benign. Last evaluated: 2026-05-01. Review status: criteria provided, single submitter. Criteria: CeGaT Center For Human Genetics Tuebingen Variant Classification Criteria Version 2. Collection method: clinical testing. Allele origin: germline. Affected: yes. Observed: 24 variant alleles.
Comment: TTN: BP4, BP7

Labcorp Genetics (formerly Invitae), Labcorp
Classification: Benign for Dilated cardiomyopathy 1G; Autosomal recessive limb-girdle muscular dystrophy type 2J. Last evaluated: 2026-02-02. Review status: criteria provided, single submitter. Criteria: Invitae Variant Classification Sherloc (09022015). Collection method: clinical testing. Allele origin: germline.

Molecular Diagnostic Laboratory for Inherited Cardiovascular Disease, Montreal Heart Institute
Classification: Likely benign. Last evaluated: 2025-04-09. Review status: criteria provided, single submitter. Criteria: ACMG Guidelines, 2015. Collection method: clinical testing. Allele origin: germline. Affected: no.
Comment: BS1;BP7

Laboratory of Genetics, Children's Clinical University Hospital Latvia
Classification: Likely benign. Last evaluated: 2025-02-16. Review status: criteria provided, single submitter. Criteria: ACMG Guidelines, 2015. Collection method: clinical testing. Allele origin: germline. Affected: yes.

Blueprint Genetics
Classification: Likely benign. Last evaluated: 2024-11-22. Review status: criteria provided, single submitter. Criteria: ACMG Guidelines, 2015. Collection method: clinical testing. Allele origin: germline.

ARUP Laboratories, Molecular Genetics and Genomics, ARUP Laboratories
Classification: Likely benign. Last evaluated: 2024-10-10. Review status: criteria provided, single submitter. Criteria: ARUP Molecular Germline Variant Investigation Process 2024. Collection method: clinical testing. Allele origin: germline.

Mayo Clinic Laboratories, Mayo Clinic
Classification: Likely benign. Last evaluated: 2024-09-06. Review status: criteria provided, single submitter. Criteria: ACMG Guidelines, 2015. Collection method: clinical testing. Allele origin: germline. Observed: 2 variant alleles.
Comment: BS2, BP4, BP7

Women's Health and Genetics/Laboratory Corporation of America, LabCorp
Classification: Benign. Last evaluated: 2023-07-05. Review status: criteria provided, single submitter. Criteria: LabCorp Variant Classification Summary - May 2015. Collection method: clinical testing. Allele origin: germline.
Comment: Variant summary: TTN c.25347G>A alters a non-conserved nucleotide resulting in a synonymous change. 4/4 computational tools predict no significant impact on normal splicing. However, these predictions have yet to be confirmed by functional studies. The variant allele was found at a frequency of 0.00083 in 276932 control chromosomes (gnomAD), predominantly at a frequency of 0.0014 within the Non-Finnish European subpopulation in the gnomAD database. The observed variant frequency within Non-Finnish European control individuals in the gnomAD database is approximately 4 fold of the estimated maximal expected allele frequency for a pathogenic variant in TTN causing Dilated Cardiomyopathy phenotype (0.00039), strongly suggesting that the variant is a benign polymorphism found primarily in populations of Non-Finnish European origin. To our knowledge, no occurrence of c.25347G>A in individuals affected with Dilated Cardiomyopathy and no experimental evidence demonstrating its impact on protein function have been reported. Seven ClinVar submitters have assessed the variant since 2014: one classified the variant as uncertain significance, three as likely benign, and three as benign. Based on the evidence outlined above, the variant was classified as benign.

Illumina Laboratory Services, Illumina
Classification: Uncertain significance for Dilated cardiomyopathy 1G. Last evaluated: 2018-01-12. Review status: criteria provided, single submitter. Criteria: ICSL Variant Classification Criteria 13 December 2019. Collection method: clinical testing. Allele origin: germline.

Illumina Laboratory Services, Illumina
Classification: Uncertain significance for Early-onset myopathy with fatal cardiomyopathy. Last evaluated: 2018-01-12. Review status: criteria provided, single submitter. Criteria: ICSL Variant Classification Criteria 13 December 2019. Collection method: clinical testing. Allele origin: germline.

Illumina Laboratory Services, Illumina
Classification: Uncertain significance for Autosomal recessive limb-girdle muscular dystrophy type 2J. Last evaluated: 2018-01-12. Review status: criteria provided, single submitter. Criteria: ICSL Variant Classification Criteria 13 December 2019. Collection method: clinical testing. Allele origin: germline.

Illumina Laboratory Services, Illumina
Classification: Benign for Myopathy, myofibrillar, 9, with early respiratory failure. Last evaluated: 2018-01-12. Review status: criteria provided, single submitter. Criteria: ICSL Variant Classification Criteria 13 December 2019. Collection method: clinical testing. Allele origin: germline.
Comment: This variant was observed in the ICSL laboratory as part of a predisposition screen in an ostensibly healthy population. It had not been previously curated by ICSL or reported in the Human Gene Mutation Database (HGMD: prior to June 1st, 2018), and was therefore a candidate for classification through an automated scoring system. Utilizing variant allele frequency, disease prevalence and penetrance estimates, and inheritance mode, an automated score was calculated to assess if this variant is too frequent to cause the disease. Based on the score and internal cut-off values, a variant classified as benign is not then subjected to further curation. The score for this variant resulted in a classification of benign for this disease.

Illumina Laboratory Services, Illumina
Classification: Benign for Tibial muscular dystrophy. Last evaluated: 2018-01-12. Review status: criteria provided, single submitter. Criteria: ICSL Variant Classification Criteria 13 December 2019. Collection method: clinical testing. Allele origin: germline.
Comment: the same text as in the submission from Illumina Laboratory Services, Illumina above.

Athena Diagnostics
Classification: Benign. Last evaluated: 2017-07-10. Review status: criteria provided, single submitter. Criteria: Athena Diagnostics Criteria. Collection method: clinical testing. Allele origin: germline.

Eurofins Ntd Llc (ga)
Classification: Likely benign. Last evaluated: 2017-01-05. Review status: criteria provided, single submitter. Criteria: EGL Classification Definitions 2015. Collection method: clinical testing. Allele origin: germline. Observed: 4 variant alleles, 4 heterozygotes.

Genetic Services Laboratory, University of Chicago
Classification: Likely benign. Last evaluated: 2016-08-26. Review status: criteria provided, single submitter. Criteria: ACMG Guidelines, 2015. Collection method: clinical testing. Allele origin: germline. Affected: no.

GeneDx
Classification: Benign. Last evaluated: 2013-10-31. Review status: criteria provided, single submitter. Criteria: GeneDx Variant Classification (06012015). Collection method: clinical testing. Allele origin: germline. Affected: yes.
Comment: This variant is considered likely benign or benign based on one or more of the following criteria: it is a conservative change, it occurs at a poorly conserved position in the protein, it is predicted to be benign by multiple in silico algorithms, and/or has population frequency not consistent with disease.

Laboratory for Molecular Medicine, Mass General Brigham Personalized Medicine
Classification: Likely benign. Last evaluated: 2012-03-19. Review status: criteria provided, single submitter. Criteria: LMM Criteria. Collection method: clinical testing. Allele origin: germline. Observed: 1 variant allele.
Comment: p.Ala8449Ala in Exon 98 of TTN: This variant is not expected to have clinical si gnificance because it does not alter an amino acid residue, is not located withi n the splice consensus sequence. It has been identified in 2/6624 European Ameri can chromosomes from a broad population by the NHLBI Exome Sequencing Project (dbSNP rs147118784).

PreventionGenetics, part of Exact Sciences
Classification: Likely benign. Review status: criteria provided, single submitter. Criteria: ACMG Guidelines, 2015. Collection method: clinical testing. Allele origin: germline.

Clinical Genetics DNA and cytogenetics Diagnostics Lab, Erasmus MC, Erasmus Medical Center
Classification: Likely benign. Review status: no assertion criteria provided. Collection method: clinical testing. Allele origin: germline. Affected: yes. Study: VKGL Data-share Consensus. Not counted in ClinVar's aggregate classification.

Clinical Genetics, Academic Medical Center
Classification: Benign. Review status: no assertion criteria provided. Collection method: clinical testing. Allele origin: germline. Affected: yes. Study: VKGL Data-share Consensus. Not counted in ClinVar's aggregate classification.

Diagnostic Laboratory, Department of Genetics, University Medical Center Groningen
Classification: Likely benign. Review status: no assertion criteria provided. Collection method: clinical testing. Allele origin: germline. Affected: yes. Study: VKGL Data-share Consensus. Not counted in ClinVar's aggregate classification.

Literature cited by the submitters: PubMed 33297573 (cited by Mayo Clinic Laboratories, Mayo Clinic).

NM_001267550.2(TTN):c.29079G>A (p.Ala9693=)

Gene: TTN (titin; minus strand). Cytogenetic location: 2q31.2.
Variant type: single nucleotide variant.
Coding change: c.29079G>A on transcript NM_001267550.2 (MANE Select); coding-DNA position 29079, G replaced by A.
Protein change: p.Ala9693=; no amino-acid change (alanine 9693 retained).
Molecular consequence: synonymous variant. On other transcripts: intron variant (3).
Genome position (GRCh38, 1-based): chr2:178,706,917, C>T on the plus strand (G>A on the coding strand, the complement: TTN is on the minus strand). VCF-style: chr2-178706917-C-T. GRCh37 (hg19) VCF-style: chr2-179571644-C-T.
Other names: p.A9376A:GCG>GCA; p.Ala8449=; c.28128G>A, p.Ala9376= (NM_001256850.1); c.25347G>A, p.Ala8449= (NM_133378.4); c.13282+31165G>A (NM_003319.4); c.13858+31165G>A (NM_133437.4); c.13657+31165G>A (NM_133432.3).
Identifiers: ClinVar variation 137775 (VCV000137775.104), dbSNP rs372997298, ClinGen allele CA291432.
Genomic context (GRCh38, chr2:178,706,917, plus strand): 5'-CTTACTTTCTACGACTCTGATACTCTGAGGTTCTGACACAAAAAAGAGTCTTCCATCTAC[C>T]GCAGCTTTCTTGGTTGCTGGGGCCACAGCTGGTTTGTCTGAAAAAACATTTACATGTTTT-3'
Protein context (NP_001254479.2, residues 9683-9703): PAVAPATKKA[Ala9693=]VDGRLFFVSE